The following is an entry in ClinVar:

NM_001371986.1(UNC80):c.8008C>T (p.Arg2670Ter)

Gene: UNC80 (unc-80 subunit of NALCN channel complex; plus strand). Cytogenetic location: 2q34.
Variant type: single nucleotide variant.
Coding change: c.8008C>T on transcript NM_001371986.1 (MANE Select); coding-DNA position 8008, C replaced by T.
Protein change: p.Arg2670Ter; replaces arginine 2670 with a stop codon.
Molecular consequence: nonsense.
Genome position (GRCh38, 1-based): chr2:209,969,769, C>T. VCF-style: chr2-209969769-C-T. GRCh37 (hg19) VCF-style: chr2-210834493-C-T.
Other names: c.7810C>T, p.Arg2604Ter (NM_032504.2); c.7795C>T, p.Arg2599Ter (NM_182587.4); short protein forms R2599*, R2604*, R2670*.
Identifiers: ClinVar variation 1704946 (VCV001704946.6), dbSNP rs751900819, ClinGen allele CA65045459.

ClinVar aggregate classification (germline): Pathogenic. Review status: criteria provided, multiple submitters, no conflicts (2 of 4 stars). 2 submissions from 2 submitters: Pathogenic (2). Last evaluated 2026-01-19.

Allele frequency attached by ClinVar (database versions not stated): 1000 Genomes Project 30x 0.00016.
gnomAD v4.1: 6 of 1,551,542 alleles (0.00039%); highest among the groups gnomAD compares: East Asian, 0.0024%; no homozygotes.

Submissions (2):

Labcorp Genetics (formerly Invitae), Labcorp
Classification: Pathogenic. Last evaluated: 2026-01-19. Review status: criteria provided, single submitter. Criteria: Invitae Variant Classification Sherloc (09022015). Collection method: clinical testing. Allele origin: germline.
Comment: This sequence change creates a premature translational stop signal (p.Arg2604*) in the UNC80 gene. It is expected to result in an absent or disrupted protein product. Loss-of-function variants in UNC80 are known to be pathogenic (PMID: 26545877, 26708751, 26708753). This variant is present in population databases (rs751900819, gnomAD 0.01%). This premature translational stop signal has been observed in individual(s) with neurodevelopmental disability (PMID: 28191889). ClinVar contains an entry for this variant (Variation ID: 1704946). Algorithms developed to predict the effect of sequence changes on RNA splicing suggest that this variant may disrupt the consensus splice site. For these reasons, this variant has been classified as Pathogenic.

GeneDx
Classification: Pathogenic. Last evaluated: 2025-06-30. Review status: criteria provided, single submitter. Criteria: GeneDx Variant Classification Process June 2021. Collection method: clinical testing. Allele origin: germline. Affected: yes.
Comment: Apparently de novo variant in a patient with neurodevelopmental features; however, specific clinical information was not provided and a second variant in UNC80 was not reported (PMID: 28191889); Nonsense variant predicted to result in protein truncation or nonsense mediated decay in a gene for which loss-of-function is a known mechanism of disease; Not observed at significant frequency in large population cohorts (gnomAD); This variant is associated with the following publications: (PMID: 28191889)

Literature cited by the submitters: PubMed 26545877 (cited by Labcorp Genetics (formerly Invitae), Labcorp); PubMed 26708751 (cited by Labcorp Genetics (formerly Invitae), Labcorp); PubMed 26708753 (cited by Labcorp Genetics (formerly Invitae), Labcorp); PubMed 28191889 (cited by Labcorp Genetics (formerly Invitae), Labcorp).